The following is an entry in ClinVar:

NM_007186.6(CEP250):c.6094C>T (p.Arg2032Ter)

Gene: CEP250 (centrosomal protein 250; plus strand). Cytogenetic location: 20q11.22.
Variant type: single nucleotide variant.
Coding change: c.6094C>T on transcript NM_007186.6 (MANE Select); coding-DNA position 6094, C replaced by T.
Protein change: p.Arg2032Ter; replaces arginine 2032 with a stop codon.
Molecular consequence: nonsense.
Genome position (GRCh38, 1-based): chr20:35,504,463, C>T. VCF-style: chr20-35504463-C-T. GRCh37 (hg19) VCF-style: chr20-34092291-C-T.
Other names: c.4198C>T, p.Arg1400Ter (NM_001318219.1); short protein forms R1400*, R2032*.
Identifiers: ClinVar variation 1926062 (VCV001926062.5), dbSNP rs773637285, ClinGen allele CA9833999.

ClinVar aggregate classification (germline): Pathogenic (1 of 4 stars; one submission).

Allele frequency attached by ClinVar (database versions not stated): ExAC 0.00001; gnomAD 0.00001; gnomAD exomes 0.00001; TOPMed 0.00005.
gnomAD v4.1: 6 of 1,612,750 alleles (0.00037%); highest among the groups gnomAD compares: African/African-American, 0.004%; no homozygotes.

Submission:

Labcorp Genetics (formerly Invitae), Labcorp
Classification: Pathogenic. Last evaluated: 2021-12-11. Review status: criteria provided, single submitter. Criteria: Invitae Variant Classification Sherloc (09022015). Collection method: clinical testing. Allele origin: germline.
Comment: For these reasons, this variant has been classified as Pathogenic. This variant has not been reported in the literature in individuals affected with CEP250-related conditions. The frequency data for this variant in the population databases is considered unreliable, as metrics indicate poor data quality at this position in the gnomAD database. This sequence change creates a premature translational stop signal (p.Arg2032*) in the CEP250 gene. It is expected to result in an absent or disrupted protein product. Loss-of-function variants in CEP250 are known to be pathogenic (PMID: 24780881, 29718797).

Literature cited by the submitters: PubMed 24780881; PubMed 29718797.